The following is an entry in ClinVar:

ClinVar aggregate classification (germline): Likely benign. Review status: criteria provided, multiple submitters, no conflicts (2 of 4 stars). 2 submissions from 2 submitters: Likely benign (2). Last evaluated 2025-02-26.

Conditions:
Retinoblastoma (RB1). Also called: RETINOBLASTOMA, SOMATIC. Identifiers: Orphanet 790, MedGen C0035335, MeSH D012175, MONDO:0008380, OMIM 180200, HP:0009919. Disease mechanism: loss of function. Inheritance: Both sporadic and heritable forms are tested..

Submissions (2):

Labcorp Genetics (formerly Invitae), Labcorp
Classification: Likely benign for Retinoblastoma. Last evaluated: 2025-02-26. Review status: criteria provided, single submitter. Criteria: Invitae Variant Classification Sherloc (09022015). Collection method: clinical testing. Allele origin: germline.

All of Us Research Program, National Institutes of Health
Classification: Likely benign for Retinoblastoma. Last evaluated: 2024-03-24. Review status: criteria provided, single submitter. Criteria: ACMG Guidelines, 2015. Collection method: clinical testing. Allele origin: germline. Inheritance: Autosomal dominant inheritance. Observed: 1 variant allele, 1 heterozygote.
Comment: This study involves interpretation of variants in research participants for the purpose of population health screening. Participant phenotype was not available at the time of variant classification. Additional details can be found in publication PMID: 35346344, PMCID: PMC8962531

NM_000321.3(RB1):c.1980C>A (p.Leu660=)

Gene: RB1 (RB transcriptional corepressor 1; plus strand). Cytogenetic location: 13q14.2.
Variant type: single nucleotide variant.
Coding change: c.1980C>A on transcript NM_000321.3 (MANE Select); coding-DNA position 1980, C replaced by A.
Protein change: p.Leu660=; no amino-acid change (leucine 660 retained).
Molecular consequence: synonymous variant.
Genome position (GRCh38, 1-based): chr13:48,459,707, C>A. VCF-style: chr13-48459707-C-A. GRCh37 (hg19) VCF-style: chr13-49033843-C-A.
Other names: c.1980C>A, p.Leu660= (NM_001407165.1).
Identifiers: ClinVar variation 3387573 (VCV003387573.2).